The following is an entry in ClinVar:

ClinVar aggregate classification (germline): Conflicting classifications of pathogenicity. Review status: criteria provided, conflicting classifications (1 of 4 stars). 3 submissions from 3 submitters: Uncertain significance (2); Likely benign (1). Last evaluated 2023-12-19.

Conditions:
SKIN/HAIR/EYE PIGMENTATION 1, BLUE/NONBLUE EYES (SHEP1). Also called: BROWN EYE COLOR 2; EYE COLOR 3; EYE COLOR, BLUE/NONBLUE; EYE COLOR, BROWN/BLUE; HAIR COLOR 3; SKIN/HAIR/EYE PIGMENTATION 1, BLOND/BROWN HAIR. Identifiers: MedGen C1856895, OMIM 227220.
Tyrosinase-positive oculocutaneous albinism (OCA2). Also called: Albinism, oculocutaneous, type II; ALBINISM II; Oculocutaneous albinism type 2. Identifiers: Orphanet 79432, MedGen C0268495, MONDO:0008746, OMIM 203200.
Inborn genetic diseases. Identifiers: MedGen C0950123, MeSH D030342.

Allele frequency attached by ClinVar (database versions not stated): gnomAD exomes 0.00005; gnomAD 0.00006; TOPMed 0.00006; ExAC 0.00007.
gnomAD v4.1: 88 of 1,611,620 alleles (0.0055%); highest among the groups gnomAD compares: East Asian, 0.033%; no homozygotes.

Submissions (3):

Ambry Genetics
Classification: Likely benign for Inborn genetic diseases. Last evaluated: 2023-12-19. Review status: criteria provided, single submitter. Criteria: Ambry Variant Classification Scheme 2023. Collection method: clinical testing. Allele origin: germline.

Labcorp Genetics (formerly Invitae), Labcorp
Classification: Uncertain significance. Last evaluated: 2022-10-13. Review status: criteria provided, single submitter. Criteria: Invitae Variant Classification Sherloc (09022015). Collection method: clinical testing. Allele origin: germline.
Comment: This sequence change replaces alanine, which is neutral and non-polar, with valine, which is neutral and non-polar, at codon 14 of the OCA2 protein (p.Ala14Val). This variant is present in population databases (rs763734477, gnomAD 0.04%). This variant has not been reported in the literature in individuals affected with OCA2-related conditions. ClinVar contains an entry for this variant (Variation ID: 1386147). Advanced modeling of protein sequence and biophysical properties (such as structural, functional, and spatial information, amino acid conservation, physicochemical variation, residue mobility, and thermodynamic stability) performed at Invitae indicates that this missense variant is not expected to disrupt OCA2 protein function. In summary, the available evidence is currently insufficient to determine the role of this variant in disease. Therefore, it has been classified as a Variant of Uncertain Significance.

Fulgent Genetics
Classification: Uncertain significance for Tyrosinase-positive oculocutaneous albinism; SKIN/HAIR/EYE PIGMENTATION 1, BLUE/NONBLUE EYES. Last evaluated: 2021-07-24. Review status: criteria provided, single submitter. Criteria: ACMG Guidelines, 2015. Collection method: clinical testing. Allele origin: unknown.

NM_000275.3(OCA2):c.41C>T (p.Ala14Val)

Gene: OCA2 (OCA2 melanosomal transmembrane protein; minus strand). Cytogenetic location: 15q13.1.
Variant type: single nucleotide variant.
Coding change: c.41C>T on transcript NM_000275.3 (MANE Select); coding-DNA position 41, C replaced by T.
Protein change: p.Ala14Val; replaces alanine 14 with valine.
Molecular consequence: missense variant.
Genome position (GRCh38, 1-based): chr15:28,081,834, G>A on the plus strand (C>T on the coding strand, the complement: OCA2 is on the minus strand). VCF-style: chr15-28081834-G-A. GRCh37 (hg19) VCF-style: chr15-28326980-G-A.
Other names: c.41C>T (NM_000275.2); c.41C>T, p.Ala14Val (NM_001300984.2); short protein forms A14V.
Identifiers: ClinVar variation 1386147 (VCV001386147.5), dbSNP rs763734477, ClinGen allele CA7439611.